The following is an entry in ClinVar:

NM_013382.7(POMT2):c.1117-12C>G

Gene: POMT2 (protein O-mannosyltransferase 2; minus strand). Cytogenetic location: 14q24.3.
Variant type: single nucleotide variant.
Coding change: c.1117-12C>G on transcript NM_013382.7 (MANE Select); 12 bases into the intron before coding-DNA position 1117, C replaced by G.
Molecular consequence: intron variant.
Genome position (GRCh38, 1-based): chr14:77,291,392, G>C on the plus strand (C>G on the coding strand, the complement: POMT2 is on the minus strand). VCF-style: chr14-77291392-G-C. GRCh37 (hg19) VCF-style: chr14-77757735-G-C.
Identifiers: ClinVar variation 1377850 (VCV001377850.4), dbSNP rs535647699, ClinGen allele CA615200120.

ClinVar aggregate classification (germline): Uncertain significance. Review status: criteria provided, multiple submitters, no conflicts (2 of 4 stars). 2 submissions from 2 submitters: Uncertain significance (2). Last evaluated 2025-06-27.

Conditions:
Muscular dystrophy-dystroglycanopathy (congenital with brain and eye anomalies), type A2. Also called: MUSCULAR DYSTROPHY-DYSTROGLYCANOPATHY (CONGENITAL WITH BRAIN AND EYE ANOMALIES), TYPE A, 2; WALKER-WARBURG SYNDROME OR MUSCLE-EYE-BRAIN DISEASE, POMT2-RELATED. Identifiers: Orphanet 588, Orphanet 899, MedGen C3150411, MONDO:0013154, OMIM 613150.
Autosomal recessive limb-girdle muscular dystrophy type 2N. Also called: MUSCULAR DYSTROPHY-DYSTROGLYCANOPATHY, LIMB-GIRDLE, POMT2-RELATED; Muscular dystrophy-dystroglycanopathy (limb-girdle), type C, 2. Identifiers: Orphanet 206559, MedGen C3150418, MONDO:0013162, OMIM 613158.
Muscular dystrophy-dystroglycanopathy (congenital with impaired intellectual development), type B, 2. Also called: MUSCULAR DYSTROPHY, CONGENITAL, POMT2-RELATED; Muscular dystrophy-dystroglycanopathy (congenital with intellectual disability), type B2. Identifiers: MedGen C3150416, MONDO:0013160, OMIM 613156.
Myopathy caused by variation in POMT2. Identifiers: MedGen CN305642, MONDO:0700071.

Allele frequency attached by ClinVar (database versions not stated): TOPMed 0.00001; gnomAD exomes 0.00002.

Submissions (2):

Broad Center for Mendelian Genomics, Broad Institute of MIT and Harvard
Classification: Uncertain significance for Myopathy caused by variation in POMT2. Last evaluated: 2025-06-27. Review status: criteria provided, single submitter. Criteria: ACMG Guidelines, 2015. Collection method: curation. Allele origin: germline. Inheritance: Autosomal recessive inheritance. Study: GREGoR Consortium.
Comment: The phase of these variants are unknown at this time. The c.1117-12C>G variant in POMT2 has not been previously reported in the literature in individuals with myopathy, and has been identified in 0.003% (10/316324) of European (non-Finnish) chromosomes by the Genome Aggregation Database (gnomAD; dbSNP rs535647699). Although this variant has been seen in the general population in a heterozygous state, its frequency is low enough to be consistent with a recessive carrier frequency. This variant has also been reported in ClinVar (Variation ID: 1377850) and has been interpreted as a variant of uncertain significance by Labcorp Genetics. Computational prediction tools and conservation analyses suggest that this variant may impact the protein, though this information is not predictive enough to determine pathogenicity. This variant is located in the 3' splice region. Computational tools predict a splicing impact, though this information is not predictive enough to determine pathogenicity. In summary, the clinical significance of the c.1117-12C>G variant is uncertain. ACMG/AMP Criteria applied: PP3, PM2_supporting (Richards 2015).

Labcorp Genetics (formerly Invitae), Labcorp
Classification: Uncertain significance for Muscular dystrophy-dystroglycanopathy (congenital with impaired intellectual development), type B, 2; Muscular dystrophy-dystroglycanopathy (congenital with brain and eye anomalies), type A2; Autosomal recessive limb-girdle muscular dystrophy type 2N. Last evaluated: 2021-12-02. Review status: criteria provided, single submitter. Criteria: Invitae Variant Classification Sherloc (09022015). Collection method: clinical testing. Allele origin: germline.
Comment: This sequence change falls in intron 9 of the POMT2 gene. It does not directly change the encoded amino acid sequence of the POMT2 protein. This variant is present in population databases (no rsID available, gnomAD 0.008%). This variant has not been reported in the literature in individuals affected with POMT2-related conditions. Algorithms developed to predict the effect of sequence changes on RNA splicing suggest that this variant may create or strengthen a splice site. In summary, the available evidence is currently insufficient to determine the role of this variant in disease. Therefore, it has been classified as a Variant of Uncertain Significance.